The following is an entry in ClinVar:

NM_000551.4(VHL):c.463+1G>T

Genes: VHL (von Hippel-Lindau tumor suppressor; plus strand), LOC107303340 (3p25 von Hippel-Lindau tumor suppressor, E3 ubiquitin protein ligase Alu-mediated recombination region; plus strand). Cytogenetic location: 3p25.3.
Variant type: single nucleotide variant.
Coding change: c.463+1G>T on transcript NM_000551.4 (MANE Select); the canonical splice donor site of the intron after coding-DNA position 463, G replaced by T.
Molecular consequence: splice donor variant. On other transcripts: intron variant (2).
Genome position (GRCh38, 1-based): chr3:10,146,637, G>T. VCF-style: chr3-10146637-G-T. GRCh37 (hg19) VCF-style: chr3-10188321-G-T.
Other names: c.*18-3150G>T (NM_001354723.2); c.341-3150G>T (NM_198156.3).
Identifiers: ClinVar variation 1457709 (VCV001457709.9), dbSNP rs869025657, ClinGen allele CA16621935.

ClinVar aggregate classification (germline): Pathogenic. Review status: criteria provided, multiple submitters, no conflicts (2 of 4 stars). 3 submissions from 3 submitters: Pathogenic (3). Last evaluated 2025-04-17.

Conditions:
Chuvash polycythemia. Also called: POLYCYTHEMIA, VHL-DEPENDENT. Identifiers: Orphanet 238557, MedGen C1837915, MONDO:0009892, OMIM 263400.
Von Hippel-Lindau syndrome (VHLS). Also called: Von Hippel-Lindau; VHL syndrome; von Hippel–Lindau syndrome. Identifiers: Orphanet 892, MedGen C0019562, MONDO:0008667, OMIM 193300. Disease mechanism: loss of function.
Hereditary cancer-predisposing syndrome. Also called: Hereditary Cancer Syndrome; Hereditary neoplastic syndrome; Tumor predisposition; Neoplastic Syndromes, Hereditary. Identifiers: Orphanet 140162, MedGen C0027672, MeSH D009386, MONDO:0015356.

Submissions (5):

Labcorp Genetics (formerly Invitae), Labcorp
Classification: Pathogenic for Von Hippel-Lindau syndrome; Chuvash polycythemia. Last evaluated: 2025-04-17. Review status: criteria provided, single submitter. Criteria: Invitae Variant Classification Sherloc (09022015). Collection method: clinical testing. Allele origin: germline.
Comment: This sequence change affects a donor splice site in intron 2 of the VHL gene. RNA analysis indicates that disruption of this splice site induces altered splicing and may result in an absent or altered protein product. This variant is not present in population databases (gnomAD no frequency). Disruption of this splice site has been observed in individuals with von Hippel-Lindau syndrome (PMID: 8707293, 10761708, 21362373; internal data). ClinVar contains an entry for this variant (Variation ID: 1457709). Variants that disrupt the consensus splice site are a relatively common cause of aberrant splicing (PMID: 17576681, 9536098). Studies have shown that disruption of this splice site results in activation of cryptic splice site(s), and produces a non-functional protein and/or introduces a premature termination codon (internal data). For these reasons, this variant has been classified as Pathogenic.

Myriad Genetics, Inc.
Classification: Pathogenic for Von Hippel-Lindau syndrome. Last evaluated: 2024-02-07. Review status: criteria provided, single submitter. Criteria: Myriad Autosomal Dominant, Autosomal Recessive and X-Linked Classification Criteria (2023). Collection method: clinical testing. Allele origin: unknown.
Comment: This variant is considered pathogenic. This variant occurs within a consensus splice junction and is predicted to result in abnormal mRNA splicing of either an out-of-frame exon or an in-frame exon necessary for protein stability and/or normal function. This variant has been reported in multiple individuals with clinical features of gene-specific disease [PMID: 21362373, 25078357, 21463266, 29510814, 22799452].

Ambry Genetics
Classification: Pathogenic for Hereditary cancer-predisposing syndrome. Last evaluated: 2021-08-25. Review status: criteria provided, single submitter. Criteria: Ambry Variant Classification Scheme 2023. Collection method: clinical testing. Allele origin: germline.
Comment: The c.463+1G>T intronic pathogenic mutation results from a G to T substitution one nucleotide after coding exon 2 of the VHL gene. In silico splice site analysis predicts that this alteration will weaken the native splice donor site and may result in the creation or strengthening of a novel splice donor site. This mutation and another variant impacting this position (c.463+1G>A) have been identified in multiple individuals with Von Hippel-Lindau disease (VHL) (Siu WK et al. Chin Med J (Engl), 2011 Jan;124:237-41; Yoshida et. al., Jpn J Cancer Res. 2000; 91(2): 204-12; Ciotti P et al Eur J Med Genet. 2009 Sep-Oct;52(5):311-4; Rocha JC et al. J. Med. Genet., 2003 Mar;40:e31; Ambry internal data). In addition to the clinical data presented in the literature, alterations that disrupt the canonical splice site are expected to cause aberrant splicing, resulting in an abnormal protein. As such, this alteration is classified as a disease-causing mutation.

Dr. Peter K. Rogan Lab, Western University
No classification provided (evidence only). Condition: Clear cell carcinoma of kidney. Review status: no classification provided. Collection method: in vitro. Allele origin: not applicable. Functional consequence: skipped exon, retained intron. Not counted in ClinVar's aggregate classification.

Dr. Peter K. Rogan Lab, Western University
No classification provided (evidence only). Condition: Clear cell carcinoma of kidney. Review status: no classification provided. Collection method: in vitro. Allele origin: not applicable. Functional consequence: skipped exon, retained intron. Not counted in ClinVar's aggregate classification.

Literature cited by the submitters: PubMed 8707293 (cited by Labcorp Genetics (formerly Invitae), Labcorp); PubMed 10761708 (cited by Labcorp Genetics (formerly Invitae), Labcorp); PubMed 21362373 (cited by 3 submitters); PubMed 17576681 (cited by Labcorp Genetics (formerly Invitae), Labcorp); PubMed 9536098 (cited by Labcorp Genetics (formerly Invitae), Labcorp); PubMed 25078357 (cited by Myriad Genetics, Inc.); PubMed 21463266 (cited by Myriad Genetics, Inc.); PubMed 29510814 (cited by Myriad Genetics, Inc.); PubMed 22799452 (cited by Myriad Genetics, Inc.).